The following is an entry in ClinVar:

NM_001127898.4(CLCN5):c.450T>A (p.His150Gln)

Gene: CLCN5 (chloride voltage-gated channel 5; plus strand). Cytogenetic location: Xp11.23.
Variant type: single nucleotide variant.
Coding change: c.450T>A on transcript NM_001127898.4 (MANE Select); coding-DNA position 450, T replaced by A.
Protein change: p.His150Gln; replaces histidine 150 with glutamine.
Molecular consequence: missense variant.
Genome position (GRCh38, 1-based): chrX:50,075,829, T>A. VCF-style: chrX-50075829-T-A. GRCh37 (hg19) VCF-style: chrX-49840484-T-A.
Other names: c.240T>A, p.His80Gln (NM_000084.5); c.450T>A, p.His150Gln (NM_001127899.4); c.300T>A, p.His100Gln (NM_001282163.2); short protein forms H150Q, H80Q, H100Q.
Identifiers: ClinVar variation 2800818 (VCV002800818.3), dbSNP rs781944155, ClinGen allele CA413182519.
Genomic context (GRCh38, chrX:50,075,829, plus strand): 5'-CCTTTCCCTCCCTCCCCACAAATCAGGTTCGTTAGCTGGTTTGATAGACATCTCTGCTCA[T>A]TGGATGACAGACTTAAAAGAAGGTATATGCACAGGGGGATTCTGGTTTAACCATGAACAT-3'
Protein context (NP_001121370.1, residues 140-160): SLAGLIDISA[His150Gln]WMTDLKEGIC

ClinVar aggregate classification (germline): Uncertain significance (1 of 4 stars; one submission).

Submission:

Labcorp Genetics (formerly Invitae), Labcorp
Classification: Uncertain significance. Last evaluated: 2023-09-01. Review status: criteria provided, single submitter. Criteria: Invitae Variant Classification Sherloc (09022015). Collection method: clinical testing. Allele origin: germline.
Comment: In summary, the available evidence is currently insufficient to determine the role of this variant in disease. Therefore, it has been classified as a Variant of Uncertain Significance. This sequence change replaces histidine, which is basic and polar, with glutamine, which is neutral and polar, at codon 80 of the CLCN5 protein (p.His80Gln). This variant is not present in population databases (gnomAD no frequency). This variant has not been reported in the literature in individuals affected with CLCN5-related conditions. An algorithm developed to predict the effect of missense changes on protein structure and function (PolyPhen-2) suggests that this variant is likely to be disruptive.